The following is an entry in ClinVar:

NM_014956.5(CEP164):c.3652G>T (p.Ala1218Ser)

Gene: CEP164 (centrosomal protein 164; plus strand). Cytogenetic location: 11q23.3.
Variant type: single nucleotide variant.
Coding change: c.3652G>T on transcript NM_014956.5 (MANE Select); coding-DNA position 3652, G replaced by T.
Protein change: p.Ala1218Ser; replaces alanine 1218 with serine.
Molecular consequence: missense variant.
Genome position (GRCh38, 1-based): chr11:117,408,932, G>T. VCF-style: chr11-117408932-G-T. GRCh37 (hg19) VCF-style: chr11-117279648-G-T.
Other names: c.3661G>T, p.Ala1221Ser (NM_001271933.2); short protein forms A1218S, A1221S.
Identifiers: ClinVar variation 1000391 (VCV001000391.8), dbSNP rs1565634414, ClinGen allele CA382742053.
Genomic context (GRCh38, chr11:117,408,932, plus strand): 5'-GCTGACTTTACCCCACAGGCCTCAGATGAGGGCACTCTGGGAGGATCCCCCACCAAGAAG[G>T]CAGTAACCTTCGACCTCAGTGACATGGACAGCCTGAGCAGTGAAAGTTCTGAATCTTTTT-3'
Protein context (NP_055771.4, residues 1208-1228): GTLGGSPTKK[Ala1218Ser]VTFDLSDMDS

ClinVar aggregate classification (germline): Uncertain significance (1 of 4 stars; one submission).

Conditions:
Nephronophthisis 15 (NPHP15). Identifiers: Orphanet 3156, MedGen C3541853, MONDO:0013917, OMIM 614845.

Allele frequency attached by ClinVar (database versions not stated): gnomAD exomes below 0.00001.
gnomAD v4.1: 1 of 1,614,140 alleles (0.000062%); highest among the groups gnomAD compares: East Asian, 0.0022%; no homozygotes.

Submission:

Labcorp Genetics (formerly Invitae), Labcorp
Classification: Uncertain significance for Nephronophthisis 15. Last evaluated: 2022-10-04. Review status: criteria provided, single submitter. Criteria: Invitae Variant Classification Sherloc (09022015). Collection method: clinical testing. Allele origin: germline.
Comment: This variant is not present in population databases (gnomAD no frequency). In summary, the available evidence is currently insufficient to determine the role of this variant in disease. Therefore, it has been classified as a Variant of Uncertain Significance. Algorithms developed to predict the effect of sequence changes on RNA splicing suggest that this variant may create or strengthen a splice site. Advanced modeling of protein sequence and biophysical properties (such as structural, functional, and spatial information, amino acid conservation, physicochemical variation, residue mobility, and thermodynamic stability) performed at Invitae indicates that this missense variant is not expected to disrupt CEP164 protein function. ClinVar contains an entry for this variant (Variation ID: 1000391). This variant has not been reported in the literature in individuals affected with CEP164-related conditions. This sequence change replaces alanine, which is neutral and non-polar, with serine, which is neutral and polar, at codon 1218 of the CEP164 protein (p.Ala1218Ser).